The following is an entry in ClinVar:

NM_000784.4(CYP27A1):c.1548G>T (p.Leu516=)

Gene: CYP27A1 (cytochrome P450 family 27 subfamily A member 1; plus strand). Cytogenetic location: 2q35.
Variant type: single nucleotide variant.
Coding change: c.1548G>T on transcript NM_000784.4 (MANE Select); coding-DNA position 1548, G replaced by T.
Protein change: p.Leu516=; no amino-acid change (leucine 516 retained).
Molecular consequence: synonymous variant.
Genome position (GRCh38, 1-based): chr2:218,814,982, G>T. VCF-style: chr2-218814982-G-T. GRCh37 (hg19) VCF-style: chr2-219679705-G-T.
Identifiers: ClinVar variation 1621859 (VCV001621859.21), dbSNP rs2105981481, ClinGen allele CA431234396.

ClinVar aggregate classification (germline): Likely benign. Review status: criteria provided, multiple submitters, no conflicts (2 of 4 stars). 2 submissions from 2 submitters: Likely benign (2). Last evaluated 2025-01-01.

Conditions:
Cholestanol storage disease (CTX). Also called: Cerebrotendinous Xanthomatosis; CEREBRAL CHOLESTERINOSIS; CTX: Cerebrotendinous xanthomatosis. Identifiers: Orphanet 909, MedGen C0238052, MONDO:0008948, OMIM 213700.

gnomAD v4.1: 2 of 1,614,194 alleles (0.00012%); highest among the groups gnomAD compares: Non-Finnish European, 0.00017%; no homozygotes.

Submissions (2):

CeGaT Center for Human Genetics Tuebingen
Classification: Likely benign. Last evaluated: 2025-01-01. Review status: criteria provided, single submitter. Criteria: CeGaT Center For Human Genetics Tuebingen Variant Classification Criteria Version 2. Collection method: clinical testing. Allele origin: germline. Affected: yes. Observed: 1 variant allele.
Comment: CYP27A1: BP4, BP7

Labcorp Genetics (formerly Invitae), Labcorp
Classification: Likely benign for Cholestanol storage disease. Last evaluated: 2024-11-05. Review status: criteria provided, single submitter. Criteria: Invitae Variant Classification Sherloc (09022015). Collection method: clinical testing. Allele origin: germline.